The following is an entry in ClinVar:

ClinVar aggregate classification (germline): Benign (1 of 4 stars; one submission).

Submission:

Women's Health and Genetics/Laboratory Corporation of America, LabCorp
Classification: Benign. Last evaluated: 2026-01-28. Review status: criteria provided, single submitter. Criteria: LabCorp Variant Classification Summary - May 2015. Collection method: clinical testing. Allele origin: germline.
Comment: Variant summary: The variant involves the duplication of exon 1 in the CLIC2 gene. A presumed nomenclature of c.(?_-188)_(57+1_58-1)dup has been designated for the purposes of this classification. The exact breakpoint at the 5' end of this variant is unknown, therefore this duplication may extend upstream of the annotated region of this gene. It is predicted to duplicate a segment including the initiation codon, therefore its impact on the encoded protein is unknown. A similar copy number variant was found at a frequency of 0.0019 in 16103 control chromosomes, predominantly at a frequency of 0.0041 within the Non-Finnish European subpopulation in the gnomAD database, including 1 homozygote and 8 hemizygotes. The observed variant frequency within Non-Finnish European control individuals in the gnomAD database exceeds the estimated maximal expected allele frequency for disease-causing variants in CLIC2. To our knowledge, no occurrence of similar copy number variants in individuals affected with CLIC2-related conditions and no experimental evidence demonstrating its impact on protein function have been reported. ClinVar contains an entry for this variant (Variation ID: 145271, 145270). Based on the evidence outlined above, the variant was classified as benign.

NC_000023.10:g.(154528459_154563679)_(154563924_?)dup

Gene: CLIC2 (chloride intracellular channel 2; minus strand). Cytogenetic location: Xq28.
Variant type: Duplication.
Identifiers: ClinVar variation 4689187 (VCV004689187.1).